The following is an entry in ClinVar:

NM_001171.6(ABCC6):c.3739C>T (p.Pro1247Ser)

Gene: ABCC6 (ATP binding cassette subfamily C member 6; minus strand). Cytogenetic location: 16p13.11.
Variant type: single nucleotide variant.
Coding change: c.3739C>T on transcript NM_001171.6 (MANE Select); coding-DNA position 3739, C replaced by T.
Protein change: p.Pro1247Ser; replaces proline 1247 with serine.
Molecular consequence: missense variant. On other transcripts: non-coding transcript variant (1).
Genome position (GRCh38, 1-based): chr16:16,157,806, G>A on the plus strand (C>T on the coding strand, the complement: ABCC6 is on the minus strand). VCF-style: chr16-16157806-G-A. GRCh37 (hg19) VCF-style: chr16-16251663-G-A.
Other names: c.3397C>T, p.Pro1133Ser (NM_001351800.1); short protein forms P1247S, P1133S.
Identifiers: ClinVar variation 388706 (VCV000388706.4), dbSNP rs199694536, ClinGen allele CA16608005.

ClinVar aggregate classification (germline): Uncertain significance. Review status: criteria provided, multiple submitters, no conflicts (2 of 4 stars). 2 submissions from 2 submitters: Uncertain significance (2). Last evaluated 2022-02-05.

Allele frequency attached by ClinVar (database versions not stated): TOPMed 0.00001.
gnomAD v4.1: 17 of 1,610,316 alleles (0.0011%); highest among the groups gnomAD compares: African/African-American, 0.0013%; no homozygotes.

Submissions (2):

Labcorp Genetics (formerly Invitae), Labcorp
Classification: Uncertain significance. Last evaluated: 2022-02-05. Review status: criteria provided, single submitter. Criteria: Invitae Variant Classification Sherloc (09022015). Collection method: clinical testing. Allele origin: germline.
Comment: This sequence change replaces proline, which is neutral and non-polar, with serine, which is neutral and polar, at codon 1247 of the ABCC6 protein (p.Pro1247Ser). This variant is present in population databases (no rsID available, gnomAD 0.007%). This variant has not been reported in the literature in individuals affected with ABCC6-related conditions. ClinVar contains an entry for this variant (Variation ID: 388706). Algorithms developed to predict the effect of missense changes on protein structure and function (SIFT, PolyPhen-2, Align-GVGD) all suggest that this variant is likely to be tolerated. In summary, the available evidence is currently insufficient to determine the role of this variant in disease. Therefore, it has been classified as a Variant of Uncertain Significance.

GeneDx
Classification: Uncertain significance. Last evaluated: 2016-08-25. Review status: criteria provided, single submitter. Criteria: GeneDx Variant Classification (06012015). Collection method: clinical testing. Allele origin: germline. Affected: yes.
Comment: The P1247S variant in the ABCC6 gene has not been reported previously as a pathogenic variant, nor as a benign variant, to our knowledge. The P1247S variant was not observed in approximately 6,500 individuals of European and African American ancestry in the NHLBI Exome Sequencing Project, indicating it is not a common benign variant in these populations. The P1247S variant is a non-conservative amino acid substitution, which is likely to impact secondary protein structure as these residues differ in polarity, charge, size and/or other properties. This substitution occurs at a position that is conserved in mammals. In silico analysis predicts this variant is probably damaging to the protein structure/function. We interpret P1247S as a variant of uncertain significance.